The following is an entry in ClinVar:

NM_003119.4(SPG7):c.224T>G (p.Ile75Ser)

Gene: SPG7 (SPG7 matrix AAA peptidase subunit, paraplegin; plus strand). Cytogenetic location: 16q24.3.
Variant type: single nucleotide variant.
Coding change: c.224T>G on transcript NM_003119.4 (MANE Select); coding-DNA position 224, T replaced by G.
Protein change: p.Ile75Ser; replaces isoleucine 75 with serine.
Molecular consequence: missense variant.
Genome position (GRCh38, 1-based): chr16:89,510,530, T>G. VCF-style: chr16-89510530-T-G. GRCh37 (hg19) VCF-style: chr16-89576938-T-G.
Other names: c.224T>G, p.Ile75Ser (NM_001363850.1, NM_199367.3); short protein forms I75S.
Identifiers: ClinVar variation 5017997 (VCV005017997.1).

ClinVar aggregate classification (germline): Uncertain significance (1 of 4 stars; one submission).

Submission:

GeneDx
Classification: Uncertain significance. Last evaluated: 2026-03-31. Review status: criteria provided, single submitter. Criteria: GeneDx Variant Classification Process June 2021. Collection method: clinical testing. Allele origin: germline.
Comment: Not observed at significant frequency in large population cohorts (gnomAD); In silico analysis supports that this missense variant has a deleterious effect on protein structure/function; Has not been previously published as pathogenic or benign to our knowledge